The following is an entry in ClinVar:

ClinVar aggregate classification (germline): Uncertain significance (1 of 4 stars; one submission).

Allele frequency attached by ClinVar (database versions not stated): gnomAD 0.00001; gnomAD exomes 0.00002; TOPMed 0.00002; ExAC 0.00003; ESP Exome Variant Server 0.00009.
gnomAD v4.1: 28 of 1,209,302 alleles (0.0023%); highest among the groups gnomAD compares: Non-Finnish European, 0.0031%; no homozygotes.

Submission:

GeneDx
Classification: Uncertain significance. Last evaluated: 2021-01-14. Review status: criteria provided, single submitter. Criteria: GeneDx Variant Classification Process June 2021. Collection method: clinical testing. Allele origin: germline. Affected: yes.
Comment: Has not been previously published as pathogenic or benign to our knowledge; In silico analysis supports that this missense variant has a deleterious effect on protein structure/function

NM_004429.5(EFNB1):c.991G>T (p.Val331Phe)

Gene: EFNB1 (ephrin B1; plus strand). Cytogenetic location: Xq13.1.
Variant type: single nucleotide variant.
Coding change: c.991G>T on transcript NM_004429.5 (MANE Select); coding-DNA position 991, G replaced by T.
Protein change: p.Val331Phe; replaces valine 331 with phenylalanine.
Molecular consequence: missense variant.
Genome position (GRCh38, 1-based): chrX:68,840,604, G>T. VCF-style: chrX-68840604-G-T. GRCh37 (hg19) VCF-style: chrX-68060447-G-T.
Other names: short protein forms V331F.
Identifiers: ClinVar variation 1313958 (VCV001313958.2), dbSNP rs376262683, ClinGen allele CA10438263.
Genomic context (GRCh38, chrX:68,840,604, plus strand): 5'-AACAACTACTGCCCCCACTATGAGAAGGTGAGTGGGGACTACGGGCACCCTGTCTACATC[G>T]TCCAAGAGATGCCGCCCCAGAGCCCGGCGAACATCTACTACAAGGTCTGAGTGCCCGGCA-3'
Protein context (NP_004420.1, residues 321-341): SGDYGHPVYI[Val331Phe]QEMPPQSPAN